The following is an entry in ClinVar:

ClinVar aggregate classification (germline): Benign/Likely benign. Review status: criteria provided, multiple submitters, no conflicts (2 of 4 stars). 4 submissions from 4 submitters: Benign (1); Likely benign (1). 2 of the submissions do not count toward it. Last evaluated 2026-01-08.

Allele frequency attached by ClinVar (database versions not stated): 1000 Genomes Project 30x 0.00765; ExAC 0.00317; ESP Exome Variant Server 0.00398; gnomAD 0.00454 and 0.00482; TOPMed 0.00528; 1000 Genomes Project 0.00699.
gnomAD v4.1: 1,475 of 1,591,734 alleles (0.093%); highest among the groups gnomAD compares: African/African-American, 1.4%; 11 homozygotes.

Submissions (4):

Labcorp Genetics (formerly Invitae), Labcorp
Classification: Benign. Last evaluated: 2026-01-08. Review status: criteria provided, single submitter. Criteria: Invitae Variant Classification Sherloc (09022015). Collection method: clinical testing. Allele origin: germline.

CeGaT Center for Human Genetics Tuebingen
Classification: Likely benign. Last evaluated: 2025-09-01. Review status: criteria provided, single submitter. Criteria: CeGaT Center For Human Genetics Tuebingen Variant Classification Criteria Version 2. Collection method: clinical testing. Allele origin: germline. Affected: yes. Observed: 1 variant allele.
Comment: MPDZ: BP4, BS1

Clinical Genetics DNA and cytogenetics Diagnostics Lab, Erasmus MC, Erasmus Medical Center
Classification: Benign. Review status: no assertion criteria provided. Collection method: clinical testing. Allele origin: germline. Affected: yes. Study: VKGL Data-share Consensus. Not counted in ClinVar's aggregate classification.

Laboratory of Diagnostic Genome Analysis, Leiden University Medical Center (LUMC)
Classification: Likely benign. Review status: no assertion criteria provided. Collection method: clinical testing. Allele origin: germline. Affected: yes. Study: VKGL Data-share Consensus. Not counted in ClinVar's aggregate classification.

NM_001378778.1(MPDZ):c.2458C>G (p.Leu820Val)

Gene: MPDZ (multiple PDZ domain crumbs cell polarity complex component; minus strand). Cytogenetic location: 9p23.
Variant type: single nucleotide variant.
Coding change: c.2458C>G on transcript NM_001378778.1 (MANE Select); coding-DNA position 2458, C replaced by G.
Protein change: p.Leu820Val; replaces leucine 820 with valine.
Molecular consequence: missense variant.
Genome position (GRCh38, 1-based): chr9:13,186,293, G>C on the plus strand (C>G on the coding strand, the complement: MPDZ is on the minus strand). VCF-style: chr9-13186293-G-C. GRCh37 (hg19) VCF-style: chr9-13186292-G-C.
Other names: c.2458C>G, p.Leu820Val (NM_001261406.2, NM_001261407.2, NM_001330637.2 and 14 more transcripts); short protein forms L820V.
Identifiers: ClinVar variation 716919 (VCV000716919.20), dbSNP rs73647114, ClinGen allele CA4987455.